The following is an entry in ClinVar:

NM_000051.4(ATM):c.5347G>A (p.Glu1783Lys)

Gene: ATM (ATM serine/threonine kinase; plus strand). Cytogenetic location: 11q22.3.
Variant type: single nucleotide variant.
Coding change: c.5347G>A on transcript NM_000051.4 (MANE Select); coding-DNA position 5347, G replaced by A.
Protein change: p.Glu1783Lys; replaces glutamic acid 1783 with lysine.
Molecular consequence: missense variant.
Genome position (GRCh38, 1-based): chr11:108,302,880, G>A. VCF-style: chr11-108302880-G-A. GRCh37 (hg19) VCF-style: chr11-108173607-G-A.
Other names: c.5347G>A, p.Glu1783Lys (NM_001351834.2); short protein forms E1783K.
Identifiers: ClinVar variation 1047099 (VCV001047099.9), dbSNP rs2083498434, ClinGen allele CA382543206.

ClinVar aggregate classification (germline): Uncertain significance (1 of 4 stars; one submission).

Conditions:
Ataxia-telangiectasia syndrome (AT). Also called: ATAXIA-TELANGIECTASIA, COMPLEMENTATION GROUP A; ATAXIA-TELANGIECTASIA, FRESNO VARIANT; Ataxia-telangiectasia, complementation group D; AT, COMPLEMENTATION GROUP C; Cerebello-oculocutaneous telangiectasia; Immunodeficiency with ataxia telangiectasia. Identifiers: Orphanet 100, MedGen C0004135, MONDO:0008840, OMIM 208900.

Submission:

Labcorp Genetics (formerly Invitae), Labcorp
Classification: Uncertain significance for Ataxia-telangiectasia syndrome. Last evaluated: 2020-02-21. Review status: criteria provided, single submitter. Criteria: Invitae Variant Classification Sherloc (09022015). Collection method: clinical testing. Allele origin: germline.
Comment: This sequence change replaces glutamic acid with lysine at codon 1783 of the ATM protein (p.Glu1783Lys). The glutamic acid residue is moderately conserved and there is a small physicochemical difference between glutamic acid and lysine. This variant is not present in population databases (ExAC no frequency). This variant has not been reported in the literature in individuals with ATM-related conditions. Algorithms developed to predict the effect of missense changes on protein structure and function (SIFT, PolyPhen-2, Align-GVGD) all suggest that this variant is likely to be tolerated, but these predictions have not been confirmed by published functional studies and their clinical significance is uncertain. In summary, the available evidence is currently insufficient to determine the role of this variant in disease. Therefore, it has been classified as a Variant of Uncertain Significance.